The following is an entry in ClinVar:

ClinVar aggregate classification (germline): Uncertain significance (1 of 4 stars; one submission).

Conditions:
Hereditary cancer-predisposing syndrome. Also called: Neoplastic Syndromes, Hereditary; Tumor predisposition; Hereditary Cancer Syndrome; Hereditary neoplastic syndrome. Identifiers: Orphanet 140162, MedGen C0027672, MeSH D009386, MONDO:0015356.

Submission:

Ambry Genetics
Classification: Uncertain significance for Hereditary cancer-predisposing syndrome. Last evaluated: 2020-09-21. Review status: criteria provided, single submitter. Criteria: Ambry Variant Classification Scheme 2023. Collection method: clinical testing. Allele origin: germline.
Comment: The p.W60S variant (also known as c.179G>C), located in coding exon 2 of the NF2 gene, results from a G to C substitution at nucleotide position 179. The tryptophan at codon 60 is replaced by serine, an amino acid with highly dissimilar properties. This amino acid position is highly conserved in available vertebrate species. In addition, this alteration is predicted to be deleterious by in silico analysis. Since supporting evidence is limited at this time, the clinical significance of this alteration remains unclear.

NM_000268.4(NF2):c.179G>C (p.Trp60Ser)

Gene: NF2 (NF2, moesin-ezrin-radixin like (MERLIN) tumor suppressor; plus strand). Cytogenetic location: 22q12.2.
Variant type: single nucleotide variant.
Coding change: c.179G>C on transcript NM_000268.4 (MANE Select); coding-DNA position 179, G replaced by C.
Protein change: p.Trp60Ser; replaces tryptophan 60 with serine.
Molecular consequence: missense variant. On other transcripts: non-coding transcript variant (1), intron variant (3).
Genome position (GRCh38, 1-based): chr22:29,636,815, G>C. VCF-style: chr22-29636815-G-C. GRCh37 (hg19) VCF-style: chr22-30032804-G-C.
Other names: c.179G>C, p.Trp60Ser (NM_181829.3, NM_181832.3, NM_181833.3 and 9 more transcripts); c.115-2275G>C (NM_181828.3); c.115-5387G>C (NM_181830.3, NM_181831.3); c.65G>C, p.Trp22Ser (NM_001407053.1, NM_001407056.1); c.-462G>C (NM_001407065.1); c.-78G>C (NM_001407067.1); short protein forms W22S, W60S.
Identifiers: ClinVar variation 1780339 (VCV001780339.2), dbSNP rs2146853282, ClinGen allele CA411152546.